The following is an entry in ClinVar:

ClinVar aggregate classification (germline): Uncertain significance (1 of 4 stars; one submission).

Conditions:
Lethal congenital glycogen storage disease of heart. Also called: GLYCOGEN STORAGE DISEASE OF HEART; PHOSPHORYLASE KINASE DEFICIENCY OF HEART. Identifiers: Orphanet 439854, MedGen C1849813, MONDO:0009867, OMIM 261740.

Submission:

Labcorp Genetics (formerly Invitae), Labcorp
Classification: Uncertain significance for Lethal congenital glycogen storage disease of heart. Last evaluated: 2020-12-25. Review status: criteria provided, single submitter. Criteria: Invitae Variant Classification Sherloc (09022015). Collection method: clinical testing. Allele origin: germline.
Comment: In summary, this variant is a novel missense change with uncertain impact on protein function. It has been classified as a Variant of Uncertain Significance. Algorithms developed to predict the effect of missense changes on protein structure and function do not agree on the potential impact of this missense change (SIFT: "Deleterious"; PolyPhen-2: "Possibly Damaging"; Align-GVGD: "Class C0"). This variant is not present in population databases (ExAC no frequency) and has not been reported in the literature in individuals with a PRKAG2-related disease. This sequence change replaces isoleucine with methionine at codon 326 of the PRKAG2 protein (p.Ile326Met). The isoleucine residue is highly conserved and there is a small physicochemical difference between isoleucine and methionine.

NM_016203.4(PRKAG2):c.978A>G (p.Ile326Met)

Gene: PRKAG2 (protein kinase AMP-activated non-catalytic subunit gamma 2; minus strand). Cytogenetic location: 7q36.1.
Variant type: single nucleotide variant.
Coding change: c.978A>G on transcript NM_016203.4 (MANE Select); coding-DNA position 978, A replaced by G.
Protein change: p.Ile326Met; replaces isoleucine 326 with methionine.
Molecular consequence: missense variant.
Genome position (GRCh38, 1-based): chr7:151,574,918, T>C on the plus strand (A>G on the coding strand, the complement: PRKAG2 is on the minus strand). VCF-style: chr7-151574918-T-C. GRCh37 (hg19) VCF-style: chr7-151272004-T-C.
Other names: c.846A>G, p.Ile282Met (NM_001040633.2); c.603A>G, p.Ile201Met (NM_001304527.2); c.255A>G, p.Ile85Met (NM_001304531.2, NM_024429.2); c.606A>G, p.Ile202Met (NM_001363698.2); short protein forms I326M, I282M, I201M, I202M, I85M.
Identifiers: ClinVar variation 410717 (VCV000410717.9), dbSNP rs1060503023, ClinGen allele CA16612131.
Genomic context (GRCh38, chr7:151,574,918, plus strand): 5'-CCAACTACTGACATAGGAACTGGTGCCACTTACCATAGGTGATTTATAGTATCTATGTAG[T>C]ATATTTATGAAATCTGTAATTGTTAGCATTCCTGGAACAAAGAATTACATGTTACAAATA-3'
Protein context (NP_057287.2, residues 316-336): GMLTITDFIN[Ile326Met]LHRYYKSPMV